The following is an entry in ClinVar:

NM_005560.6(LAMA5):c.5923G>A (p.Gly1975Ser)

Gene: LAMA5 (laminin subunit alpha 5; minus strand). Cytogenetic location: 20q13.33.
Variant type: single nucleotide variant.
Coding change: c.5923G>A on transcript NM_005560.6 (MANE Select); coding-DNA position 5923, G replaced by A.
Protein change: p.Gly1975Ser; replaces glycine 1975 with serine.
Molecular consequence: missense variant.
Genome position (GRCh38, 1-based): chr20:62,323,597, C>T on the plus strand (G>A on the coding strand, the complement: LAMA5 is on the minus strand). VCF-style: chr20-62323597-C-T. GRCh37 (hg19) VCF-style: chr20-60898653-C-T.
Other names: c.5923G>A (NM_005560.3); short protein forms G1975S.
Identifiers: ClinVar variation 2884525 (VCV002884525.4), dbSNP rs781064138, ClinGen allele CA9941964.
Genomic context (GRCh38, chr20:62,323,597, plus strand): 5'-GGCAGCCACGGCAGGCGCCCGTCAGGGGGTCGCAGTCGCTGAAGAGCAAGTTGGGGTCAC[C>T]GTTGCCGCTGCAGTCGCATGGCTGGCAGGAGCTGCCCAGCACCAGTGGGTTCCCAAAGAA-3'
Protein context (NP_005551.3, residues 1965-1985): SCQPCDCSGN[Gly1975Ser]DPNLLFSDCD

ClinVar aggregate classification (germline): Uncertain significance. Review status: criteria provided, multiple submitters, no conflicts (2 of 4 stars). 2 submissions from 2 submitters: Uncertain significance (2). Last evaluated 2025-03-27.

Conditions:
Inborn genetic diseases. Identifiers: MedGen C0950123, MeSH D030342.

Allele frequency attached by ClinVar (database versions not stated): gnomAD exomes 0.00002; gnomAD 0.00003; TOPMed 0.00003; ExAC 0.00010.
gnomAD v4.1: 31 of 1,610,750 alleles (0.0019%); highest among the groups gnomAD compares: East Asian, 0.036%; no homozygotes.

Submissions (2):

Ambry Genetics
Classification: Uncertain significance for Inborn genetic diseases. Last evaluated: 2025-03-27. Review status: criteria provided, single submitter. Criteria: Ambry Variant Classification Scheme 2023. Collection method: clinical testing. Allele origin: germline.

Labcorp Genetics (formerly Invitae), Labcorp
Classification: Uncertain significance. Last evaluated: 2023-08-27. Review status: criteria provided, single submitter. Criteria: Invitae Variant Classification Sherloc (09022015). Collection method: clinical testing. Allele origin: germline.
Comment: This sequence change replaces glycine, which is neutral and non-polar, with serine, which is neutral and polar, at codon 1975 of the LAMA5 protein (p.Gly1975Ser). In summary, the available evidence is currently insufficient to determine the role of this variant in disease. Therefore, it has been classified as a Variant of Uncertain Significance. Algorithms developed to predict the effect of missense changes on protein structure and function output the following: SIFT: "Not Available"; PolyPhen-2: "Possibly Damaging"; Align-GVGD: "Not Available". The serine amino acid residue is found in multiple mammalian species, which suggests that this missense change does not adversely affect protein function. This variant has not been reported in the literature in individuals affected with LAMA5-related conditions. This variant is present in population databases (rs781064138, gnomAD 0.09%).